The following is an entry in ClinVar:

ClinVar aggregate classification (germline): Benign. Review status: criteria provided, multiple submitters, no conflicts (2 of 4 stars). 3 submissions from 3 submitters: Benign (3). Last evaluated 2022-06-01.

Allele frequency attached by ClinVar (database versions not stated): 1000 Genomes Project 0.00140; 1000 Genomes Project 30x 0.00156; TOPMed 0.00396; ExAC 0.00402; gnomAD exomes 0.00403 and 0.00641; gnomAD 0.00429 and 0.00456; ESP Exome Variant Server 0.00484.
gnomAD v4.1: 10,014 of 1,611,112 alleles (0.62%); highest among the groups gnomAD compares: Non-Finnish European, 0.76%; 49 homozygotes.

Submissions (3):

CeGaT Center for Human Genetics Tuebingen
Classification: Benign. Last evaluated: 2022-06-01. Review status: criteria provided, single submitter. Criteria: CeGaT Center For Human Genetics Tuebingen Variant Classification Criteria Version 2. Collection method: clinical testing. Allele origin: germline. Affected: yes. Observed: 1 variant allele.
Comment: SHANK1: BS1, BS2

Labcorp Genetics (formerly Invitae), Labcorp
Classification: Benign. Last evaluated: 2018-06-13. Review status: criteria provided, single submitter. Criteria: Invitae Variant Classification Sherloc (09022015). Collection method: clinical testing. Allele origin: germline.

Breakthrough Genomics
Classification: Benign. Review status: criteria provided, single submitter. Criteria: ACMG Guidelines, 2015. Collection method: not provided. Allele origin: germline. Inheritance: Unknown mechanism. Affected: yes.

NM_016148.5(SHANK1):c.1993T>C (p.Leu665=)

Gene: SHANK1 (SH3 and multiple ankyrin repeat domains 1; minus strand). Cytogenetic location: 19q13.33.
Variant type: single nucleotide variant.
Coding change: c.1993T>C on transcript NM_016148.5 (MANE Select); coding-DNA position 1993, T replaced by C.
Protein change: p.Leu665=; no amino-acid change (leucine 665 retained).
Molecular consequence: synonymous variant.
Genome position (GRCh38, 1-based): chr19:50,689,251, A>G on the plus strand (T>C on the coding strand, the complement: SHANK1 is on the minus strand). VCF-style: chr19-50689251-A-G. GRCh37 (hg19) VCF-style: chr19-51192508-A-G.
Identifiers: ClinVar variation 779374 (VCV000779374.28), dbSNP rs116996922, ClinGen allele CA9601661.
Genomic context (GRCh38, chr19:50,689,251, plus strand): 5'-ACTCACCCTTGGCCCCCCGGAGCACGAACCCAAACCCCTCACTGTCCTTCTTCTGCAGCA[A>G]GACTGTCTTCTCCTTAATGATGTAATCGCTGGCAGGGAGGCAGGAGAAATGGGGGGGTGG-3'
Protein context (NP_057232.2, residues 655-675): SDYIIKEKTV[Leu665=]LQKKDSEGFG